The following is an entry in ClinVar:

NM_182931.3(KMT2E):c.664A>G (p.Lys222Glu)

Gene: KMT2E (lysine methyltransferase 2E (inactive); plus strand). Cytogenetic location: 7q22.3.
Variant type: single nucleotide variant.
Coding change: c.664A>G on transcript NM_182931.3 (MANE Select); coding-DNA position 664, A replaced by G.
Protein change: p.Lys222Glu; replaces lysine 222 with glutamic acid.
Molecular consequence: missense variant.
Genome position (GRCh38, 1-based): chr7:105,074,750, A>G. VCF-style: chr7-105074750-A-G. GRCh37 (hg19) VCF-style: chr7-104715197-A-G.
Other names: c.664A>G, p.Lys222Glu (NM_018682.4); short protein forms K222E.
Identifiers: ClinVar variation 1355281 (VCV001355281.8), dbSNP rs1288210110, ClinGen allele CA368776096.
Genomic context (GRCh38, chr7:105,074,750, plus strand): 5'-TTATATACTGCATTTCAGCATACTCCAACATCAATTACTTTAACTGCTTCAAGAGTTTCC[A>G]AAGTTAATGATAAAAGAAGGAAAAAAAGCGGGGAGAAAGAACAACACATTTCAAAATGTA-3'
Protein context (NP_891847.1, residues 212-232): SITLTASRVS[Lys222Glu]VNDKRRKKSG

ClinVar aggregate classification (germline): Uncertain significance (1 of 4 stars; one submission).

Submission:

Labcorp Genetics (formerly Invitae), Labcorp
Classification: Uncertain significance. Last evaluated: 2021-12-23. Review status: criteria provided, single submitter. Criteria: Invitae Variant Classification Sherloc (09022015). Collection method: clinical testing. Allele origin: germline.
Comment: This sequence change replaces lysine, which is basic and polar, with glutamic acid, which is acidic and polar, at codon 222 of the KMT2E protein (p.Lys222Glu). This variant is not present in population databases (gnomAD no frequency). This variant has not been reported in the literature in individuals affected with KMT2E-related conditions. Algorithms developed to predict the effect of missense changes on protein structure and function (SIFT, PolyPhen-2, Align-GVGD) all suggest that this variant is likely to be tolerated. In summary, the available evidence is currently insufficient to determine the role of this variant in disease. Therefore, it has been classified as a Variant of Uncertain Significance.